The following is an entry in ClinVar:

NM_002206.3(ITGA7):c.1617G>T (p.Gln539His)

Gene: ITGA7 (integrin subunit alpha 7; minus strand). Cytogenetic location: 12q13.2.
Variant type: single nucleotide variant.
Coding change: c.1617G>T on transcript NM_002206.3 (MANE Select); coding-DNA position 1617, G replaced by T.
Protein change: p.Gln539His; replaces glutamine 539 with histidine.
Molecular consequence: missense variant.
Genome position (GRCh38, 1-based): chr12:55,697,019, C>A on the plus strand (G>T on the coding strand, the complement: ITGA7 is on the minus strand). VCF-style: chr12-55697019-C-A. GRCh37 (hg19) VCF-style: chr12-56090803-C-A.
Other names: p.Gln539His; c.1629G>T, p.Gln543His (NM_001144996.2); c.1338G>T, p.Gln446His (NM_001144997.2); c.1290G>T, p.Gln430His (NM_001367993.1); c.273G>T, p.Gln91His (NM_001367994.1); c.1599G>T, p.Gln533His (NM_001374465.1); c.1749G>T, p.Gln583His (NM_001410977.1); c.1611G>T, p.Gln537His (NM_001414029.1); and 6 more; short protein forms Q539H, Q446H, Q543H, Q430H, Q91H, Q533H, Q583H, Q499H.
Identifiers: ClinVar variation 129292 (VCV000129292.18), dbSNP rs61733963, ClinGen allele CA153198.

ClinVar aggregate classification (germline): Benign. Review status: criteria provided, multiple submitters, no conflicts (2 of 4 stars). 6 submissions from 6 submitters: Benign (5). 1 of the submissions does not count toward it. Last evaluated 2026-01-31.

Conditions:
Congenital muscular dystrophy due to integrin alpha-7 deficiency. Also called: Congenital muscular dystrophy with integrin alpha-7 deficiency; Muscular dystrophy, congenital, due to ITGA7 deficiency; MYOPATHY, CONGENITAL, DUE TO INTEGRIN ALPHA-7 DEFICIENCY. Identifiers: Orphanet 34520, MedGen C2750786, MONDO:0013177, OMIM 613204.

Allele frequency attached by ClinVar (database versions not stated): 1000 Genomes Project 0.01697; gnomAD 0.01753; 1000 Genomes Project 30x 0.01765; TOPMed 0.01846; ESP Exome Variant Server 0.01907.
gnomAD v4.1: 4,767 of 1,614,096 alleles (0.3%); highest among the groups gnomAD compares: African/African-American, 5.8%; 125 homozygotes.

Submissions (6):

Labcorp Genetics (formerly Invitae), Labcorp
Classification: Benign for Congenital muscular dystrophy due to integrin alpha-7 deficiency. Last evaluated: 2026-01-31. Review status: criteria provided, single submitter. Criteria: Invitae Variant Classification Sherloc (09022015). Collection method: clinical testing. Allele origin: germline.

Mayo Clinic Laboratories, Mayo Clinic
Classification: Benign. Last evaluated: 2023-02-13. Review status: criteria provided, single submitter. Criteria: ACMG Guidelines, 2015. Collection method: clinical testing. Allele origin: germline. Observed: 9 variant alleles.
Comment: BA1, BP4

GeneDx
Classification: Benign. Last evaluated: 2016-05-24. Review status: criteria provided, single submitter. Criteria: GeneDx Variant Classification (06012015). Collection method: clinical testing. Allele origin: germline. Affected: yes.
Comment: This variant is considered likely benign or benign based on one or more of the following criteria: it is a conservative change, it occurs at a poorly conserved position in the protein, it is predicted to be benign by multiple in silico algorithms, and/or has population frequency not consistent with disease.

Breakthrough Genomics
Classification: Benign. Review status: criteria provided, single submitter. Criteria: ACMG Guidelines, 2015. Collection method: not provided. Allele origin: germline. Inheritance: Autosomal recessive inheritance. Affected: yes.

PreventionGenetics, part of Exact Sciences
Classification: Benign. Review status: criteria provided, single submitter. Criteria: ACMG Guidelines, 2015. Collection method: clinical testing. Allele origin: germline.

Genetic Services Laboratory, University of Chicago
Classification: Likely benign for AllHighlyPenetrant. Review status: no assertion criteria provided. Collection method: clinical testing. Allele origin: germline. Inheritance: Autosomal recessive inheritance. Not counted in ClinVar's aggregate classification.
Comment: Likely benign based on allele frequency in 1000 Genomes Project or ESP global frequency and its presence in a patient with a rare or unrelated disease phenotype. NOT Sanger confirmed.